The following is an entry in ClinVar:

ClinVar aggregate classification (germline): Pathogenic. Review status: criteria provided, multiple submitters, no conflicts (2 of 4 stars). 3 submissions from 3 submitters: Pathogenic (3). Last evaluated 2025-07-31.

Conditions:
Hereditary cancer-predisposing syndrome. Also called: Hereditary Cancer Syndrome; Neoplastic Syndromes, Hereditary; Hereditary neoplastic syndrome; Tumor predisposition. Identifiers: Orphanet 140162, MedGen C0027672, MeSH D009386, MONDO:0015356.
Familial cancer of breast. Also called: Hereditary breast cancer; hereditary breast carcinoma; BREAST CANCER, FAMILIAL. Identifiers: Orphanet 227535, MedGen C0346153, MONDO:0016419, OMIM 114480. Disease mechanism: loss of function.
Fanconi anemia complementation group J. Also called: BRIP1-Related Fanconi Anemia. Identifiers: Orphanet 84, MedGen C1836860, MONDO:0012187, OMIM 609054.

Submissions (3):

Ambry Genetics
Classification: Pathogenic for Hereditary cancer-predisposing syndrome. Last evaluated: 2025-07-31. Review status: criteria provided, single submitter. Criteria: Ambry Variant Classification Scheme 2023. Collection method: clinical testing. Allele origin: germline.
Comment: The c.1222dupT pathogenic mutation, located in coding exon 8 of the BRIP1 gene, results from a duplication of T at nucleotide position 1222, causing a translational frameshift with a predicted alternate stop codon (p.Y408Lfs*14). This variant is considered to be rare based on population cohorts in the Genome Aggregation Database (gnomAD). This alteration is expected to result in loss of function by premature protein truncation or nonsense-mediated mRNA decay. As such, this alteration is interpreted as a disease-causing mutation.

Labcorp Genetics (formerly Invitae), Labcorp
Classification: Pathogenic for Familial cancer of breast; Fanconi anemia complementation group J. Last evaluated: 2023-11-27. Review status: criteria provided, single submitter. Criteria: Invitae Variant Classification Sherloc (09022015). Collection method: clinical testing. Allele origin: germline.
Comment: This sequence change creates a premature translational stop signal (p.Tyr408Leufs*14) in the BRIP1 gene. It is expected to result in an absent or disrupted protein product. Loss-of-function variants in BRIP1 are known to be pathogenic (PMID: 16116423, 17033622, 21964575). This variant is not present in population databases (gnomAD no frequency). This variant has not been reported in the literature in individuals affected with BRIP1-related conditions. ClinVar contains an entry for this variant (Variation ID: 818629). For these reasons, this variant has been classified as Pathogenic.

Myriad Genetics, Inc.
Classification: Pathogenic for Familial cancer of breast. Last evaluated: 2023-06-01. Review status: criteria provided, single submitter. Criteria: Myriad Autosomal Dominant, Autosomal Recessive and X-Linked Classification Criteria (2023). Collection method: clinical testing. Allele origin: unknown.
Comment: This variant is considered pathogenic. This variant creates a frameshift predicted to result in premature protein truncation.

Literature cited by the submitters: PubMed 16116423 (cited by Labcorp Genetics (formerly Invitae), Labcorp); PubMed 17033622 (cited by Labcorp Genetics (formerly Invitae), Labcorp); PubMed 21964575 (cited by Labcorp Genetics (formerly Invitae), Labcorp).

NM_032043.3(BRIP1):c.1222dup (p.Tyr408fs)

Gene: BRIP1 (BRCA1 interacting DNA helicase 1; minus strand). Cytogenetic location: 17q23.2.
Variant type: Duplication.
Coding change: c.1222dup on transcript NM_032043.3 (MANE Select); coding-DNA position 1222, one base duplicated (T; older notation c.1222dupT).
Protein change: p.Tyr408fs; shifts the reading frame from tyrosine 408.
Molecular consequence: frameshift variant.
Genome position (GRCh38, 1-based): chr17:61,799,218, A duplicated on the plus strand (T on the coding strand, the reverse complement: BRIP1 is on the minus strand); the first of 2 consecutive A bases (chr17:61,799,218-61,799,219); duplicating either gives the same sequence. VCF-style (leftmost placement, unchanged base first): chr17-61799217-T-TA. GRCh37 (hg19) VCF-style: chr17-59876578-T-TA.
Other names: short protein forms Y408fs.
Identifiers: ClinVar variation 818629 (VCV000818629.14), dbSNP rs1603342258, ClinGen allele CA915950711.